The following is an entry in ClinVar:

NM_001110556.2(FLNA):c.7793G>A (p.Arg2598Lys)

Genes: FLNA (filamin A; minus strand), LOC107988032 (Xq28 proximal FLNA-EMD recombination region; plus strand). Cytogenetic location: Xq28.
Variant type: single nucleotide variant.
Coding change: c.7793G>A on transcript NM_001110556.2 (MANE Select); coding-DNA position 7793, G replaced by A.
Protein change: p.Arg2598Lys; replaces arginine 2598 with lysine.
Molecular consequence: missense variant.
Genome position (GRCh38, 1-based): chrX:154,349,000, C>T on the plus strand (G>A on the coding strand, the complement: FLNA is on the minus strand). VCF-style: chrX-154349000-C-T. GRCh37 (hg19) VCF-style: chrX-153577368-C-T.
Other names: c.7769G>A, p.Arg2590Lys (NM_001456.4); short protein forms R2590K, R2598K.
Identifiers: ClinVar variation 2194112 (VCV002194112.4), dbSNP rs1557175190, ClinGen allele CA415178389.

ClinVar aggregate classification (germline): Uncertain significance (1 of 4 stars; one submission).

Conditions:
Oto-palato-digital syndrome, type II (OPD2). Also called: FACIOPALATOOSSEOUS SYNDROME; OPD II SYNDROME; Otopalatodigital Syndrome, Type II; Otopalatodigital Syndrome Type 2 (FLNA-OPD2). Identifiers: Orphanet 669, Orphanet 90652, MedGen C1844696, MONDO:0010571, OMIM 304120.
Frontometaphyseal dysplasia (FMD1). Identifiers: Orphanet 1826, MedGen C0265293, MONDO:0015942.
Melnick-Needles syndrome (MNS). Also called: MELNICK-NEEDLES OSTEODYSPLASTY; OSTEODYSPLASTY OF MELNICK AND NEEDLES; Melnick-Needles Syndrome (FLNA-MNS). Identifiers: Orphanet 2484, MedGen C0025237, MONDO:0010650, OMIM 309350.
Heterotopia, periventricular, X-linked dominant (PVNH1). Also called: PERIVENTRICULAR NODULAR HETEROTOPIA 4; HETEROTOPIA, PERIVENTRICULAR, 1; PERIVENTRICULAR NODULAR HETEROTOPIA 1; X-linked periventricular heterotopia. Identifiers: Orphanet 2149, Orphanet 82004, MedGen C1848213, MONDO:0010233, OMIM 300049.

gnomAD v4.1: 1 of 1,211,354 alleles (0.000083%); no homozygotes.

Submission:

Labcorp Genetics (formerly Invitae), Labcorp
Classification: Uncertain significance for Oto-palato-digital syndrome, type II; Heterotopia, periventricular, X-linked dominant; Frontometaphyseal dysplasia; Melnick-Needles syndrome. Last evaluated: 2023-06-20. Review status: criteria provided, single submitter. Criteria: Invitae Variant Classification Sherloc (09022015). Collection method: clinical testing. Allele origin: germline.
Comment: In summary, the available evidence is currently insufficient to determine the role of this variant in disease. Therefore, it has been classified as a Variant of Uncertain Significance. Advanced modeling of protein sequence and biophysical properties (such as structural, functional, and spatial information, amino acid conservation, physicochemical variation, residue mobility, and thermodynamic stability) performed at Invitae indicates that this missense variant is not expected to disrupt FLNA protein function. ClinVar contains an entry for this variant (Variation ID: 2194112). This variant has not been reported in the literature in individuals affected with FLNA-related conditions. This variant is not present in population databases (gnomAD no frequency). This sequence change replaces arginine, which is basic and polar, with lysine, which is basic and polar, at codon 2590 of the FLNA protein (p.Arg2590Lys).